The following is an entry in ClinVar:

NM_001130987.2(DYSF):c.1494-1G>A

Gene: DYSF (dysferlin; plus strand). Cytogenetic location: 2p13.2.
Variant type: single nucleotide variant.
Coding change: c.1494-1G>A on transcript NM_001130987.2 (MANE Select); the canonical splice acceptor site of the intron before coding-DNA position 1494, G replaced by A.
Molecular consequence: splice acceptor variant.
Genome position (GRCh38, 1-based): chr2:71,539,156, G>A. VCF-style: chr2-71539156-G-A. GRCh37 (hg19) VCF-style: chr2-71766286-G-A.
Other names: c.1491-1G>A (NM_001130979.2, NM_001130981.2, NM_001130980.2); c.1398-1G>A (NM_001130978.2, NM_003494.4, NM_001130977.2 and 1 more transcripts); c.1494-1G>A (NM_001130982.2, NM_001130985.2); c.1401-1G>A (NM_001130983.2, NM_001130455.2, NM_001130984.2 and 1 more transcripts).
Identifiers: ClinVar variation 94272 (VCV000094272.14), dbSNP rs398123768, ClinGen allele CA222128.

ClinVar aggregate classification (germline): Pathogenic/Likely pathogenic. Review status: criteria provided, multiple submitters, no conflicts (2 of 4 stars). 5 submissions from 5 submitters: Pathogenic (2); Likely pathogenic (2). 1 of the submissions does not count toward it. Last evaluated 2025-03-06.

Conditions:
Autosomal recessive limb-girdle muscular dystrophy. Identifiers: Orphanet 102015, MedGen C2931907, MONDO:0015152.
Neuromuscular disease caused by qualitative or quantitative defects of dysferlin. Also called: Dysferlinopathy; Qualitative or quantitative defects of dysferlin. Identifiers: Orphanet 207073, MedGen C2931687, MONDO:0016145.
Autosomal recessive limb-girdle muscular dystrophy type 2B (LGMDR2). Also called: MUSCULAR DYSTROPHY, LIMB-GIRDLE, AUTOSOMAL RECESSIVE 2; Limb-girdle muscular dystrophy, type 2B; Limb-Girdle Muscular Dystrophy Type 2B (LGMD2B); MUSCULAR DYSTROPHY, LIMB-GIRDLE, TYPE 3. Identifiers: Orphanet 268, MedGen C1850889, MONDO:0009676, OMIM 253601.

Submissions (5):

Victorian Clinical Genetics Services, Murdoch Childrens Research Institute
Classification: Pathogenic for Autosomal recessive limb-girdle muscular dystrophy. Last evaluated: 2025-03-06. Review status: criteria provided, single submitter. Criteria: ACMG Guidelines, 2015. Collection method: clinical testing. Allele origin: germline. Affected: yes.
Comment: This variant is classified as Pathogenic. Evidence in support of pathogenic classification: Canonical splice site variant without proven consequence on splicing (no functional evidence available); Variant is absent from gnomAD (v2, v3 and v4); This variant has moderate previous evidence of pathogenicity in unrelated individuals. This variant has been classified as pathogenic/likely pathogenic by clinical laboratories in ClinVar; Other canonical splice site variants comparable to the one identified in this case have moderate previous evidence for pathogenicity. The variants c.1494-1G>C and c.1494-2A>G have been classified as likely pathogenic and pathogenic by clinical laboratories in ClinVar, respectively; Abnormal splicing is predicted by in silico tool and affected nucleotide is highly conserved. Additional information: This variant is heterozygous; This gene is associated with autosomal recessive disease; No published segregation evidence has been identified for this variant; No published functional evidence has been identified for this variant; Loss of function is a known mechanism of disease in this gene and is associated with autosomal recessive limb girdle muscular dystrophy (MONDO:0015152), DYSF-related; Variants in this gene are known to have variable expressivity (OMIM); Inheritance information for this variant is not currently available in this individual.

Natera, Inc.
Classification: Likely pathogenic for Limb-girdle muscular dystrophy type 2B. Last evaluated: 2024-05-29. Review status: criteria provided, single submitter. Criteria: Natera Variant Classification Schema (03/2026). Collection method: clinical testing. Allele origin: germline.
Comment: The c.1398-1G>A variant in DYSF is a canonical splice acceptor site variant predicted to affect pre-mRNA splicing, which may result in an abnormal transcript and altered protein product. This variant is expected to result in nonsense mediated decay, truncation, or a dysfunctional protein product. This variant is rare in the general population with a frequency below the threshold expected for the associated phenotype(s). Given the available evidence, this variant is classified as Likely Pathogenic.

Labcorp Genetics (formerly Invitae), Labcorp
Classification: Likely pathogenic for Neuromuscular disease caused by qualitative or quantitative defects of dysferlin. Last evaluated: 2023-05-02. Review status: criteria provided, single submitter. Criteria: Invitae Variant Classification Sherloc (09022015). Collection method: clinical testing. Allele origin: germline.
Comment: In summary, the currently available evidence indicates that the variant is pathogenic, but additional data are needed to prove that conclusively. Therefore, this variant has been classified as Likely Pathogenic. Algorithms developed to predict the effect of sequence changes on RNA splicing suggest that this variant may disrupt the consensus splice site. ClinVar contains an entry for this variant (Variation ID: 94272). Disruption of this splice site has been observed in individual(s) with limb girdle muscular dystrophy (PMID: 33610434). This variant is not present in population databases (gnomAD no frequency). This sequence change affects an acceptor splice site in intron 15 of the DYSF gene. It is expected to disrupt RNA splicing. Variants that disrupt the donor or acceptor splice site typically lead to a loss of protein function (PMID: 16199547), and loss-of-function variants in DYSF are known to be pathogenic (PMID: 17698709, 20301480).

Eurofins Ntd Llc (ga)
Classification: Pathogenic. Last evaluated: 2012-11-01. Review status: criteria provided, single submitter. Criteria: EGL Classification Definitions. Collection method: clinical testing. Allele origin: germline. Observed: 1 variant allele, 1 heterozygote.

Counsyl
Classification: Likely pathogenic for Autosomal recessive limb-girdle muscular dystrophy type 2B. Last evaluated: 2017-02-01. Review status: no assertion criteria provided. Collection method: clinical testing. Allele origin: unknown. Not counted in ClinVar's aggregate classification.

Literature cited by the submitters: PubMed 33610434 (cited by Labcorp Genetics (formerly Invitae), Labcorp); PubMed 16199547 (cited by Labcorp Genetics (formerly Invitae), Labcorp); PubMed 17698709 (cited by Labcorp Genetics (formerly Invitae), Labcorp); PubMed 20301480 (cited by Labcorp Genetics (formerly Invitae), Labcorp); PubMed 27602406 (cited by Counsyl).